The following is an entry in ClinVar:

ClinVar aggregate classification (germline): Uncertain significance (1 of 4 stars; one submission).

Conditions:
Gorlin syndrome. Also called: Nevoid Basal Cell Carcinoma Syndrome; Basal cell nevus syndrome. Identifiers: Orphanet 377, MedGen C0004779, MONDO:0007187.

Allele frequency attached by ClinVar (database versions not stated): gnomAD 0.00001; gnomAD exomes 0.00001; TOPMed 0.00001.
gnomAD v4.1: 4 of 1,613,864 alleles (0.00025%); highest among the groups gnomAD compares: Admixed American, 0.005%; no homozygotes.

Submission:

Labcorp Genetics (formerly Invitae), Labcorp
Classification: Uncertain significance for Gorlin syndrome. Last evaluated: 2023-11-28. Review status: criteria provided, single submitter. Criteria: Invitae Variant Classification Sherloc (09022015). Collection method: clinical testing. Allele origin: germline.
Comment: This sequence change replaces threonine, which is neutral and polar, with isoleucine, which is neutral and non-polar, at codon 588 of the PTCH2 protein (p.Thr588Ile). The frequency data for this variant in the population databases is considered unreliable, as metrics indicate poor data quality at this position in the gnomAD database. This variant has not been reported in the literature in individuals affected with PTCH2-related conditions. ClinVar contains an entry for this variant (Variation ID: 2187306). Advanced modeling of protein sequence and biophysical properties (such as structural, functional, and spatial information, amino acid conservation, physicochemical variation, residue mobility, and thermodynamic stability) performed at Invitae indicates that this missense variant is not expected to disrupt PTCH2 protein function with a negative predictive value of 80%. In summary, the available evidence is currently insufficient to determine the role of this variant in disease. Therefore, it has been classified as a Variant of Uncertain Significance.

NM_003738.5(PTCH2):c.1763C>T (p.Thr588Ile)

Gene: PTCH2 (patched 2; minus strand). Cytogenetic location: 1p34.1.
Variant type: single nucleotide variant.
Coding change: c.1763C>T on transcript NM_003738.5 (MANE Select); coding-DNA position 1763, C replaced by T.
Protein change: p.Thr588Ile; replaces threonine 588 with isoleucine.
Molecular consequence: missense variant.
Genome position (GRCh38, 1-based): chr1:44,828,138, G>A on the plus strand (C>T on the coding strand, the complement: PTCH2 is on the minus strand). VCF-style: chr1-44828138-G-A. GRCh37 (hg19) VCF-style: chr1-45293810-G-A.
Other names: c.1763C>T, p.Thr588Ile (NM_001166292.2); short protein forms T588I.
Identifiers: ClinVar variation 2187306 (VCV002187306.4), dbSNP rs1156802395, ClinGen allele CA340099442.
Genomic context (GRCh38, chr1:44,828,138, plus strand): 5'-GCTTCACAGTGGGTAAAGGCTTGAACTGTGGCAGTGAGGTGGGCAATGCCCACTGGTACT[G>A]TCCCGTCCCCCAGCTCCTGGGGCAGGATCTGAATCACCTGAGCAGAGCAGGGACTGGAAG-3'
Protein context (NP_003729.3, residues 578-598): QILPQELGDG[Thr588Ile]VPVGIAHLTA